The following is an entry in ClinVar:

NM_005861.4(STUB1):c.669+3G>T

Genes: JMJD8 (jumonji domain containing 8; minus strand), STUB1 (STIP1 homology and U-box containing protein 1; plus strand). Cytogenetic location: 16p13.3.
Variant type: single nucleotide variant.
Coding change: c.669+3G>T on transcript NM_005861.4 (MANE Select); 3 bases into the intron after coding-DNA position 669, G replaced by T.
Molecular consequence: intron variant. On other transcripts: 3 prime UTR variant (5), non-coding transcript variant (3).
Genome position (GRCh38, 1-based): chr16:682,079, G>T. VCF-style: chr16-682079-G-T. GRCh37 (hg19) VCF-style: chr16-732079-G-T.
Other names: c.*715C>A (NM_001005920.4, NM_001323919.3, NM_001323920.3); c.*749C>A (NM_001323918.3, NM_001323922.3); c.453+3G>T (NM_001293197.2).
Identifiers: ClinVar variation 4781870 (VCV004781870.1).

ClinVar aggregate classification (germline): Uncertain significance (1 of 4 stars; one submission).

Submission:

Labcorp Genetics (formerly Invitae), Labcorp
Classification: Uncertain significance. Last evaluated: 2025-12-06. Review status: criteria provided, single submitter. Criteria: Invitae Variant Classification Sherloc (09022015). Collection method: clinical testing. Allele origin: germline.
Comment: This sequence change falls in intron 5 of the STUB1 gene. It does not directly change the encoded amino acid sequence of the STUB1 protein. It affects a nucleotide within the consensus splice site. This variant is not present in population databases (gnomAD no frequency). This variant has not been reported in the literature in individuals affected with STUB1-related conditions. Variants that disrupt the consensus splice site are a relatively common cause of aberrant splicing (PMID: 17576681, 9536098). Algorithms developed to predict the effect of sequence changes on RNA splicing suggest that this variant is not likely to affect RNA splicing. In summary, the available evidence is currently insufficient to determine the role of this variant in disease. Therefore, it has been classified as a Variant of Uncertain Significance.

Literature cited by the submitters: PubMed 17576681; PubMed 9536098.